The following is an entry in ClinVar:

ClinVar aggregate classification (germline): Uncertain significance. Review status: criteria provided, multiple submitters, no conflicts (2 of 4 stars). 2 submissions from 2 submitters: Uncertain significance (2). Last evaluated 2024-10-17.

Conditions:
Niemann-Pick disease, type C1. Also called: NIEMANN-PICK DISEASE, VARIANT TYPE C1; NEUROVISCERAL STORAGE DISEASE WITH VERTICAL SUPRANUCLEAR OPHTHALMOPLEGIA; NIEMANN-PICK DISEASE WITH CHOLESTEROL ESTERIFICATION BLOCK; NIEMANN-PICK DISEASE WITHOUT SPHINGOMYELINASE DEFICIENCY; NIEMANN-PICK DISEASE, CHRONIC NEURONOPATHIC FORM. Identifiers: Orphanet 646, MedGen C3179455, MONDO:0009757, OMIM 257220.

Allele frequency attached by ClinVar (database versions not stated): ExAC 0.00001; gnomAD 0.00001; gnomAD exomes 0.00001; TOPMed 0.00001; ESP Exome Variant Server 0.00008.
gnomAD v4.1: 12 of 1,614,140 alleles (0.00074%); highest among the groups gnomAD compares: South Asian, 0.0033%; no homozygotes.

Submissions (2):

Labcorp Genetics (formerly Invitae), Labcorp
Classification: Uncertain significance for Niemann-Pick disease, type C1. Last evaluated: 2024-10-17. Review status: criteria provided, single submitter. Criteria: Invitae Variant Classification Sherloc (09022015). Collection method: clinical testing. Allele origin: germline.
Comment: This sequence change replaces proline, which is neutral and non-polar, with serine, which is neutral and polar, at codon 255 of the NPC1 protein (p.Pro255Ser). This variant is present in population databases (rs373815982, gnomAD 0.006%). This variant has not been reported in the literature in individuals affected with NPC1-related conditions. ClinVar contains an entry for this variant (Variation ID: 1404042). Invitae Evidence Modeling of protein sequence and biophysical properties (such as structural, functional, and spatial information, amino acid conservation, physicochemical variation, residue mobility, and thermodynamic stability) has been performed for this missense variant. However, the output from this modeling did not meet the statistical confidence thresholds required to predict the impact of this variant on NPC1 protein function. In summary, the available evidence is currently insufficient to determine the role of this variant in disease. Therefore, it has been classified as a Variant of Uncertain Significance.

Mayo Clinic Laboratories, Mayo Clinic
Classification: Uncertain significance. Last evaluated: 2021-12-15. Review status: criteria provided, single submitter. Criteria: ACMG Guidelines, 2015. Collection method: clinical testing. Allele origin: germline.

NM_000271.5(NPC1):c.763C>T (p.Pro255Ser)

Gene: NPC1 (NPC intracellular cholesterol transporter 1; minus strand). Cytogenetic location: 18q11.2.
Variant type: single nucleotide variant.
Coding change: c.763C>T on transcript NM_000271.5 (MANE Select); coding-DNA position 763, C replaced by T.
Protein change: p.Pro255Ser; replaces proline 255 with serine.
Molecular consequence: missense variant.
Genome position (GRCh38, 1-based): chr18:23,560,349, G>A on the plus strand (C>T on the coding strand, the complement: NPC1 is on the minus strand). VCF-style: chr18-23560349-G-A. GRCh37 (hg19) VCF-style: chr18-21140313-G-A.
Other names: p.Pro255Ser; short protein forms P255S.
Identifiers: ClinVar variation 1404042 (VCV001404042.7), dbSNP rs373815982, ClinGen allele CA8913649.